The following is an entry in ClinVar:

NM_018082.6(POLR3B):c.56C>G (p.Pro19Arg)

Gene: POLR3B (RNA polymerase III subunit B; plus strand). Cytogenetic location: 12q23.3.
Variant type: single nucleotide variant.
Coding change: c.56C>G on transcript NM_018082.6 (MANE Select); coding-DNA position 56, C replaced by G.
Protein change: p.Pro19Arg; replaces proline 19 with arginine.
Molecular consequence: missense variant.
Genome position (GRCh38, 1-based): chr12:106,357,935, C>G. VCF-style: chr12-106357935-C-G. GRCh37 (hg19) VCF-style: chr12-106751713-C-G.
Other names: short protein forms P19R.
Identifiers: ClinVar variation 2416775 (VCV002416775.6), dbSNP rs780334764, ClinGen allele CA6761543.

ClinVar aggregate classification (germline): Uncertain significance (1 of 4 stars; one submission).

Allele frequency attached by ClinVar (database versions not stated): gnomAD 0.00001; TOPMed 0.00001.
gnomAD v4.1: 13 of 1,612,986 alleles (0.00081%); highest among the groups gnomAD compares: Non-Finnish European, 0.0011%; no homozygotes.

Submission:

Labcorp Genetics (formerly Invitae), Labcorp
Classification: Uncertain significance. Last evaluated: 2024-03-16. Review status: criteria provided, single submitter. Criteria: Invitae Variant Classification Sherloc (09022015). Collection method: clinical testing. Allele origin: germline.
Comment: This sequence change replaces proline, which is neutral and non-polar, with arginine, which is basic and polar, at codon 19 of the POLR3B protein (p.Pro19Arg). This variant is present in population databases (rs780334764, gnomAD 0.003%). This variant has not been reported in the literature in individuals affected with POLR3B-related conditions. ClinVar contains an entry for this variant (Variation ID: 2416775). An algorithm developed to predict the effect of missense changes on protein structure and function (PolyPhen-2) suggests that this variant is likely to be disruptive. In summary, the available evidence is currently insufficient to determine the role of this variant in disease. Therefore, it has been classified as a Variant of Uncertain Significance.